The following is an entry in ClinVar:

ClinVar aggregate classification (germline): Pathogenic/Likely pathogenic. Review status: criteria provided, multiple submitters, no conflicts (2 of 4 stars). 5 submissions from 5 submitters: Pathogenic (1); Likely pathogenic (3). 1 of the submissions does not count toward it. Last evaluated 2026-05-26.

Conditions:
ALG9-related disorder. Also called: ALG9-related condition.
ALG9 congenital disorder of glycosylation (CDG1L). Also called: CDG Il; CONGENITAL DISORDER OF GLYCOSYLATION, TYPE Il; ALG9-CDG. Identifiers: Orphanet 79328, MedGen C2931006, MONDO:0012117, OMIM 608776.
Gillessen-Kaesbach-Nishimura syndrome (GIKANIS). Identifiers: MedGen C1849762, MONDO:0009890, OMIM 263210.

Allele frequency attached by ClinVar (database versions not stated): ExAC 0.00001; gnomAD exomes 0.00001 and 0.00003; TOPMed 0.00001; gnomAD 0.00001.
gnomAD v4.1: 17 of 1,613,748 alleles (0.0011%); highest among the groups gnomAD compares: Non-Finnish European, 0.0014%; no homozygotes.

Submissions (5):

GeneDx
Classification: Pathogenic. Last evaluated: 2026-05-26. Review status: criteria provided, single submitter. Criteria: GeneDx Variant Classification Process June 2021. Collection method: clinical testing. Allele origin: germline.
Comment: Canonical splice site variant predicted to result in a null allele in a gene for which loss of function is a known mechanism of disease; Not observed at significant frequency in large population cohorts (gnomAD); This variant is associated with the following publications: (PMID: 39899384)

Mayo Clinic Laboratories, Mayo Clinic
Classification: Likely pathogenic. Last evaluated: 2025-08-05. Review status: criteria provided, single submitter. Criteria: ACMG Guidelines, 2015. Collection method: clinical testing. Allele origin: germline. Observed: 1 variant allele.
Comment: PM2_supporting, PVS1

Labcorp Genetics (formerly Invitae), Labcorp
Classification: Likely pathogenic for ALG9 congenital disorder of glycosylation. Last evaluated: 2025-05-05. Review status: criteria provided, single submitter. Criteria: Invitae Variant Classification Sherloc (09022015). Collection method: clinical testing. Allele origin: germline.
Comment: This sequence change affects a splice site in intron 5 of the ALG9 gene. It is expected to disrupt RNA splicing. Variants that disrupt the donor or acceptor splice site typically lead to a loss of protein function (PMID: 16199547), and loss-of-function variants in ALG9 are known to be pathogenic (PMID: 25966638). This variant is present in population databases (rs782379446, gnomAD 0.003%). This variant has not been reported in the literature in individuals affected with ALG9-related conditions. ClinVar contains an entry for this variant (Variation ID: 1524100). Algorithms developed to predict the effect of sequence changes on RNA splicing suggest that this variant may disrupt the consensus splice site. In summary, the currently available evidence indicates that the variant is pathogenic, but additional data are needed to prove that conclusively. Therefore, this variant has been classified as Likely Pathogenic.

Fulgent Genetics
Classification: Likely pathogenic for Gillessen-Kaesbach-Nishimura syndrome; ALG9 congenital disorder of glycosylation. Last evaluated: 2022-01-25. Review status: criteria provided, single submitter. Criteria: ACMG Guidelines, 2015. Collection method: clinical testing. Allele origin: unknown.

PreventionGenetics, part of Exact Sciences
Classification: Likely pathogenic for ALG9-related condition. Last evaluated: 2024-08-07. Review status: no assertion criteria provided. Collection method: clinical testing. Allele origin: germline. Not counted in ClinVar's aggregate classification.
Comment: The ALG9 c.566-1G>A variant is predicted to disrupt the AG splice acceptor site and interfere with normal splicing. To our knowledge, this variant has not been reported in the literature.  This variant is reported in 0.0027% of alleles in individuals of European (Non-Finnish) descent in gnomAD. Variants that disrupt the AG splice acceptor site in ALG9 are expected to be pathogenic. This variant is interpreted as likely pathogenic.

Literature cited by the submitters: PubMed 31395617 (cited by Mayo Clinic Laboratories, Mayo Clinic); PubMed 16199547 (cited by Labcorp Genetics (formerly Invitae), Labcorp); PubMed 25966638 (cited by Labcorp Genetics (formerly Invitae), Labcorp).

NM_024740.2(ALG9):c.566-1G>A

Gene: ALG9 (ALG9 alpha-1,2-mannosyltransferase; minus strand). Cytogenetic location: 11q23.1.
Variant type: single nucleotide variant.
Coding change: c.566-1G>A on transcript NM_024740.2 (MANE Select); the canonical splice acceptor site of the intron before coding-DNA position 566, G replaced by A.
Molecular consequence: splice acceptor variant.
Genome position (GRCh38, 1-based): chr11:111,857,738, C>T on the plus strand (G>A on the coding strand, the complement: ALG9 is on the minus strand). VCF-style: chr11-111857738-C-T. GRCh37 (hg19) VCF-style: chr11-111728461-C-T.
Other names: c.53-1G>A (NM_001352409.1, NM_001352410.1, NM_001352413.1 and 11 more transcripts); c.566-1G>A (NM_001352418.1, NM_001352417.1, NM_001077690.1); c.-23-1G>A (NM_001352422.2).
Identifiers: ClinVar variation 1524100 (VCV001524100.11), dbSNP rs782379446, ClinGen allele CA6274625.